The following is an entry in ClinVar:

NM_182914.3(SYNE2):c.10561G>A (p.Val3521Met)

Gene: SYNE2 (spectrin repeat containing nuclear envelope protein 2; plus strand). Cytogenetic location: 14q23.2.
Variant type: single nucleotide variant.
Coding change: c.10561G>A on transcript NM_182914.3 (MANE Select); coding-DNA position 10561, G replaced by A.
Protein change: p.Val3521Met; replaces valine 3521 with methionine.
Molecular consequence: missense variant.
Genome position (GRCh38, 1-based): chr14:64,070,774, G>A. VCF-style: chr14-64070774-G-A. GRCh37 (hg19) VCF-style: chr14-64537492-G-A.
Other names: c.10561G>A, p.Val3521Met (NM_015180.6); short protein forms V3521M.
Identifiers: ClinVar variation 971202 (VCV000971202.12), dbSNP rs202224612, ClinGen allele CA7221551.
Genomic context (GRCh38, chr14:64,070,774, plus strand): 5'-GCAGCCACCACAGAGGAACTCTCTGAGCTGCTAGACTGTTTATGCCAATATGGAGAGAAC[G>A]TGGAGAAGCAACAGCTGTTACTGACTCTACTTCTTCAGCGCATCAGAAGTATCCAGAATG-3'
Protein context (NP_878918.2, residues 3511-3531): LDCLCQYGEN[Val3521Met]EKQQLLLTLL

ClinVar aggregate classification (germline): Uncertain significance. Review status: criteria provided, multiple submitters, no conflicts (2 of 4 stars). 3 submissions from 3 submitters: Uncertain significance (3). Last evaluated 2025-06-25.

Conditions:
Emery-Dreifuss muscular dystrophy 5, autosomal dominant (EDMD5). Also called: EMERY-DREIFUSS MUSCULAR DYSTROPHY 5. Identifiers: Orphanet 261, MedGen C2751805, MONDO:0013072, OMIM 612999.

Allele frequency attached by ClinVar (database versions not stated): ExAC 0.00003; gnomAD exomes 0.00004 and 0.00007; ESP Exome Variant Server 0.00008; TOPMed 0.00010; gnomAD 0.00011.
gnomAD v4.1: 124 of 1,614,212 alleles (0.0077%); highest among the groups gnomAD compares: African/African-American, 0.019%; no homozygotes.

Submissions (3):

Revvity Omics, Revvity
Classification: Uncertain significance for Emery-Dreifuss muscular dystrophy 5, autosomal dominant. Last evaluated: 2025-06-25. Review status: criteria provided, single submitter. Criteria: ACMG Guidelines, 2015. Collection method: clinical testing. Allele origin: germline.

Ambry Genetics
Classification: Uncertain significance. Last evaluated: 2025-01-17. Review status: criteria provided, single submitter. Criteria: Ambry Variant Classification Scheme 2023. Collection method: clinical testing. Allele origin: germline.

Labcorp Genetics (formerly Invitae), Labcorp
Classification: Uncertain significance for Emery-Dreifuss muscular dystrophy 5, autosomal dominant. Last evaluated: 2024-09-10. Review status: criteria provided, single submitter. Criteria: Invitae Variant Classification Sherloc (09022015). Collection method: clinical testing. Allele origin: germline.
Comment: This sequence change replaces valine, which is neutral and non-polar, with methionine, which is neutral and non-polar, at codon 3521 of the SYNE2 protein (p.Val3521Met). This variant is present in population databases (rs202224612, gnomAD 0.02%). This variant has not been reported in the literature in individuals affected with SYNE2-related conditions. ClinVar contains an entry for this variant (Variation ID: 971202). An algorithm developed to predict the effect of missense changes on protein structure and function outputs the following: PolyPhen-2: "Benign". The methionine amino acid residue is found in multiple mammalian species, which suggests that this missense change does not adversely affect protein function. In summary, the available evidence is currently insufficient to determine the role of this variant in disease. Therefore, it has been classified as a Variant of Uncertain Significance.